The following is an entry in ClinVar:

ClinVar aggregate classification (germline): Uncertain significance. Review status: criteria provided, multiple submitters, no conflicts (2 of 4 stars). 2 submissions from 2 submitters: Uncertain significance (2). Last evaluated 2025-01-14.

Conditions:
Renal cell carcinoma. Identifiers: Orphanet 217071, MedGen C0007134, MeSH D002292, MONDO:0005086, HP:0005584.
Hereditary cancer-predisposing syndrome. Also called: Neoplastic Syndromes, Hereditary; Tumor predisposition; Hereditary Cancer Syndrome; Hereditary neoplastic syndrome. Identifiers: Orphanet 140162, MedGen C0027672, MeSH D009386, MONDO:0015356.

Submissions (2):

Ambry Genetics
Classification: Uncertain significance for Hereditary cancer-predisposing syndrome. Last evaluated: 2025-01-14. Review status: criteria provided, single submitter. Criteria: Ambry Variant Classification Scheme 2023. Collection method: clinical testing. Allele origin: germline.
Comment: The p.C520* variant (also known as c.1560C>A), located in coding exon 4 of the MET gene, results from a C to A substitution at nucleotide position 1560. This changes the amino acid from a cysteine to a stop codon within coding exon 4. This alteration is expected to result in protein truncation or nonsense-mediated mRNA decay. However, loss of function of MET has not been established as a mechanism of disease. Based on the available evidence, the clinical significance of this alteration remains unclear.

Labcorp Genetics (formerly Invitae), Labcorp
Classification: Uncertain significance for Renal cell carcinoma. Last evaluated: 2018-08-04. Review status: criteria provided, single submitter. Criteria: Invitae Variant Classification Sherloc (09022015). Collection method: clinical testing. Allele origin: germline.
Comment: In summary, the available evidence is currently insufficient to determine the role of this variant in disease. Therefore, it has been classified as a Variant of Uncertain Significance. This sequence change creates a premature translational stop signal (p.Cys520*) in the MET gene. It is expected to result in an absent or disrupted protein product. This variant is not present in population databases (ExAC no frequency). This variant has not been reported in the literature in individuals with MET-related disease. The current clinical and genetic evidence is not sufficient to establish whether loss-of-function variants in MET cause disease.

NM_000245.4(MET):c.1560C>A (p.Cys520Ter)

Gene: MET (MET proto-oncogene, receptor tyrosine kinase; plus strand). Cytogenetic location: 7q31.2.
Variant type: single nucleotide variant.
Coding change: c.1560C>A on transcript NM_000245.4 (MANE Select); coding-DNA position 1560, C replaced by A.
Protein change: p.Cys520Ter; replaces cysteine 520 with a stop codon.
Molecular consequence: nonsense.
Genome position (GRCh38, 1-based): chr7:116,740,884, C>A. VCF-style: chr7-116740884-C-A. GRCh37 (hg19) VCF-style: chr7-116380938-C-A.
Other names: c.1560C>A, p.Cys520Ter (NM_001127500.3, NM_001324401.3); c.270C>A, p.Cys90Ter (NM_001324402.2); short protein forms C520*, C90*.
Identifiers: ClinVar variation 651245 (VCV000651245.9), dbSNP rs1584923132, ClinGen allele CA368975093.